The following is an entry in ClinVar:

ClinVar aggregate classification (germline): Uncertain significance (1 of 4 stars; one submission).

Conditions:
Leukocyte adhesion deficiency type II. Also called: Congenital disorder of glycosylation type 2C; CDG 2C; Leukocyte adhesion deficiency type 2; Rambam Hasharon syndrome; CDG IIc; CONGENITAL DISORDER OF GLYCOSYLATION, TYPE IIc. Identifiers: Orphanet 2968, Orphanet 99843, MedGen C0398739, MONDO:0009953, OMIM 266265.

Allele frequency attached by ClinVar (database versions not stated): TOPMed 0.00001.

Submission:

Labcorp Genetics (formerly Invitae), Labcorp
Classification: Uncertain significance for Congenital disorder of glycosylation type 2C. Last evaluated: 2019-12-20. Review status: criteria provided, single submitter. Criteria: Invitae Variant Classification Sherloc (09022015). Collection method: clinical testing. Allele origin: germline.
Comment: This sequence change replaces isoleucine with leucine at codon 240 of the SLC35C1 protein (p.Ile240Leu). The isoleucine residue is weakly conserved and there is a small physicochemical difference between isoleucine and leucine. This variant is not present in population databases (ExAC no frequency). This variant has not been reported in the literature in individuals with SLC35C1-related conditions. Algorithms developed to predict the effect of missense changes on protein structure and function (SIFT, PolyPhen-2, Align-GVGD) all suggest that this variant is likely to be tolerated, but these predictions have not been confirmed by published functional studies and their clinical significance is uncertain. In summary, the available evidence is currently insufficient to determine the role of this variant in disease. Therefore, it has been classified as a Variant of Uncertain Significance.

NM_018389.5(SLC35C1):c.718A>C (p.Ile240Leu)

Gene: SLC35C1 (solute carrier family 35 member C1; plus strand). Cytogenetic location: 11p11.2.
Variant type: single nucleotide variant.
Coding change: c.718A>C on transcript NM_018389.5 (MANE Select); coding-DNA position 718, A replaced by C.
Protein change: p.Ile240Leu; replaces isoleucine 240 with leucine.
Molecular consequence: missense variant.
Genome position (GRCh38, 1-based): chr11:45,810,958, A>C. VCF-style: chr11-45810958-A-C. GRCh37 (hg19) VCF-style: chr11-45832509-A-C.
Other names: c.679A>C, p.Ile227Leu (NM_001145265.2, NM_001145266.2); short protein forms I240L, I227L.
Identifiers: ClinVar variation 862843 (VCV000862843.1), dbSNP rs7130656, ClinGen allele CA380205881.